The following is an entry in ClinVar:

NM_001368894.2(PAX6):c.958+4A>T

Gene: PAX6 (paired box 6; minus strand). Cytogenetic location: 11p13.
Variant type: single nucleotide variant.
Coding change: c.958+4A>T on transcript NM_001368894.2 (MANE Select); 4 bases into the intron after coding-DNA position 958, A replaced by T.
Molecular consequence: intron variant.
Genome position (GRCh38, 1-based): chr11:31,793,648, T>A on the plus strand (A>T on the coding strand, the complement: PAX6 is on the minus strand). VCF-style: chr11-31793648-T-A. GRCh37 (hg19) VCF-style: chr11-31815196-T-A.
Other names: c.508+4A>T (NM_001368903.2, NM_001310161.3, NM_001310160.2 and 11 more transcripts); c.313+4A>T (NM_001368930.2); c.916+4A>T (NM_001310159.1, NM_001127612.3, NM_001368890.2 and 10 more transcripts); c.757+4A>T (NM_001368921.2, NM_001368923.2, NM_001368926.2 and 4 more transcripts); c.958+4A>T (NM_001258462.3, NM_001310158.2, NM_001258463.2 and 6 more transcripts); c.1033+4A>T (NM_001368919.2, NM_001368918.2); c.1159+4A>T (NM_001368910.2); c.961+4A>T (NM_001368911.2); and 2 more.
Identifiers: ClinVar variation 1475474 (VCV001475474.33), dbSNP rs765926181, ClinGen allele CA5933780.

ClinVar aggregate classification (germline): Conflicting classifications of pathogenicity. Review status: criteria provided, conflicting classifications (1 of 4 stars). 3 submissions from 3 submitters: Uncertain significance (2); Likely benign (1). Last evaluated 2025-04-03.

Conditions:
Aniridia 1 (AN1). Identifiers: Orphanet 250923, MedGen C0344542, MONDO:0024507, OMIM 106210.
Irido-corneo-trabecular dysgenesis (ASGD5). Also called: ANTERIOR SEGMENT DYSGENESIS 5. Identifiers: Orphanet 708, MedGen C0344559, MONDO:0011414, OMIM 604229, HP:0000659.

Allele frequency attached by ClinVar (database versions not stated): ExAC 0.00002; gnomAD exomes 0.00002 and 0.00007; TOPMed 0.00005; gnomAD 0.00007 and 0.00008.
gnomAD v4.1: 114 of 1,614,116 alleles (0.0071%); highest among the groups gnomAD compares: Non-Finnish European, 0.009%; no homozygotes.

Submissions (4):

Labcorp Genetics (formerly Invitae), Labcorp
Classification: Uncertain significance for Aniridia 1; Irido-corneo-trabecular dysgenesis. Last evaluated: 2025-04-03. Review status: criteria provided, single submitter. Criteria: Invitae Variant Classification Sherloc (09022015). Collection method: clinical testing. Allele origin: germline.
Comment: This sequence change falls in intron 10 of the PAX6 gene. It does not directly change the encoded amino acid sequence of the PAX6 protein. It affects a nucleotide within the consensus splice site. This variant is present in population databases (rs765926181, gnomAD 0.006%). This variant has not been reported in the literature in individuals affected with PAX6-related conditions. ClinVar contains an entry for this variant (Variation ID: 1475474). Variants that disrupt the consensus splice site are a relatively common cause of aberrant splicing (PMID: 17576681, 9536098). Algorithms developed to predict the effect of sequence changes on RNA splicing suggest that this variant may disrupt the consensus splice site. In summary, the available evidence is currently insufficient to determine the role of this variant in disease. Therefore, it has been classified as a Variant of Uncertain Significance.

CeGaT Center for Human Genetics Tuebingen
Classification: Likely benign. Last evaluated: 2023-04-01. Review status: criteria provided, single submitter. Criteria: CeGaT Center For Human Genetics Tuebingen Variant Classification Criteria Version 2. Collection method: clinical testing. Allele origin: germline. Affected: yes. Observed: 1 variant allele.
Comment: PAX6: BP4

GeneDx
Classification: Uncertain significance. Last evaluated: 2022-05-26. Review status: criteria provided, single submitter. Criteria: GeneDx Variant Classification Process June 2021. Collection method: clinical testing. Allele origin: germline. Affected: yes.
Comment: In silico analysis supports that this variant does not alter splicing; Has not been previously published as pathogenic or benign to our knowledge

Dr. Peter K. Rogan Lab, Western University
No classification provided (evidence only). Condition: Acute myeloid leukemia. Review status: no classification provided. Collection method: in vitro. Allele origin: not applicable. Functional consequence: retained intron. Not counted in ClinVar's aggregate classification.

Literature cited by the submitters: PubMed 17576681 (cited by Labcorp Genetics (formerly Invitae), Labcorp); PubMed 9536098 (cited by Labcorp Genetics (formerly Invitae), Labcorp).